The following is an entry in ClinVar:

ClinVar aggregate classification (germline): Conflicting classifications of pathogenicity. Review status: criteria provided, conflicting classifications (1 of 4 stars). 7 submissions from 7 submitters: Uncertain significance (1); Benign (1); Likely benign (2). 3 of the submissions do not count toward it. Last evaluated 2025-12-31.

Conditions:
Xeroderma pigmentosum, group D (XPD). Also called: XERODERMA PIGMENTOSUM, COMPLEMENTATION GROUP D; XERODERMA PIGMENTOSUM IV; XP, GROUP D; XP, GROUP H; ERCC2-Related Xeroderma Pigmentosum. Identifiers: MedGen C0268138, MONDO:0010212, OMIM 278730.
ERCC2-related disorder. Also called: ERCC2-related conditions; ERCC2-related condition; ERCC2-related disorders. Identifiers: MedGen CN239291.
Inborn genetic diseases. Identifiers: MedGen C0950123, MeSH D030342.

Allele frequency attached by ClinVar (database versions not stated): ESP Exome Variant Server 0.00038; gnomAD 0.00040 and 0.00041.
gnomAD v4.1: 324 of 1,614,078 alleles (0.02%); highest among the groups gnomAD compares: African/African-American, 0.12%; 2 homozygotes.

Submissions (7):

Labcorp Genetics (formerly Invitae), Labcorp
Classification: Benign. Last evaluated: 2025-12-31. Review status: criteria provided, single submitter. Criteria: Invitae Variant Classification Sherloc (09022015). Collection method: clinical testing. Allele origin: germline.

Blueprint Genetics
Classification: Likely benign. Last evaluated: 2024-11-15. Review status: criteria provided, single submitter. Criteria: ACMG Guidelines, 2015. Collection method: clinical testing. Allele origin: germline.

Ambry Genetics
Classification: Likely benign for Inborn genetic diseases. Last evaluated: 2022-02-14. Review status: criteria provided, single submitter. Criteria: Ambry Variant Classification Scheme 2023. Collection method: clinical testing. Allele origin: germline.

Illumina Laboratory Services, Illumina
Classification: Uncertain significance for Xeroderma pigmentosum, group D. Last evaluated: 2018-01-13. Review status: criteria provided, single submitter. Criteria: ICSL Variant Classification Criteria 13 December 2019. Collection method: clinical testing. Allele origin: germline.

PreventionGenetics, part of Exact Sciences
Classification: Likely benign for ERCC2-related condition. Last evaluated: 2023-10-04. Review status: no assertion criteria provided. Collection method: clinical testing. Allele origin: germline. Not counted in ClinVar's aggregate classification.
Comment: This variant is classified as likely benign based on ACMG/AMP sequence variant interpretation guidelines (Richards et al. 2015 PMID: 25741868, with internal and published modifications).

Clinical Genetics DNA and cytogenetics Diagnostics Lab, Erasmus MC, Erasmus Medical Center
Classification: Likely benign. Review status: no assertion criteria provided. Collection method: clinical testing. Allele origin: germline. Affected: yes. Study: VKGL Data-share Consensus. Not counted in ClinVar's aggregate classification.

Genome Diagnostics Laboratory, Amsterdam University Medical Center
Classification: Likely benign. Review status: no assertion criteria provided. Collection method: clinical testing. Allele origin: germline. Affected: yes. Study: VKGL Data-share Consensus. Not counted in ClinVar's aggregate classification.

NM_000400.4(ERCC2):c.2127C>T (p.Thr709=)

Gene: ERCC2 (ERCC excision repair 2, TFIIH core complex helicase subunit; minus strand). Cytogenetic location: 19q13.32.
Variant type: single nucleotide variant.
Coding change: c.2127C>T on transcript NM_000400.4 (MANE Select); coding-DNA position 2127, C replaced by T.
Protein change: p.Thr709=; no amino-acid change (threonine 709 retained).
Molecular consequence: synonymous variant.
Genome position (GRCh38, 1-based): chr19:45,352,272, G>A on the plus strand (C>T on the coding strand, the complement: ERCC2 is on the minus strand). VCF-style: chr19-45352272-G-A. GRCh37 (hg19) VCF-style: chr19-45855530-G-A.
Identifiers: ClinVar variation 329504 (VCV000329504.21), dbSNP rs147128863, ClinGen allele CA9512876.